The following is an entry in ClinVar:

NM_058216.3(RAD51C):c.145+18C>T

Genes: RAD51C (RAD51 paralog C; plus strand), LOC130061310 (ATAC-STARR-seq lymphoblastoid active region 12491; plus strand). Cytogenetic location: 17q22.
Variant type: single nucleotide variant.
Coding change: c.145+18C>T on transcript NM_058216.3 (MANE Select); 18 bases into the intron after coding-DNA position 145, C replaced by T.
Molecular consequence: intron variant.
Genome position (GRCh38, 1-based): chr17:58,692,806, C>T. VCF-style: chr17-58692806-C-T. GRCh37 (hg19) VCF-style: chr17-56770167-C-T.
Other names: c.145+18C>T (NM_002876.4).
Identifiers: ClinVar variation 1393407 (VCV001393407.6), dbSNP rs763292447, ClinGen allele CA2573154401.

ClinVar aggregate classification (germline): Uncertain significance (1 of 4 stars; one submission).

Conditions:
Fanconi anemia complementation group O. Also called: RAD51C-Related Fanconi Anemia. Identifiers: Orphanet 84, MedGen C3150653, MONDO:0013248, OMIM 613390.

Submission:

Labcorp Genetics (formerly Invitae), Labcorp
Classification: Uncertain significance for Fanconi anemia complementation group O. Last evaluated: 2022-04-08. Review status: criteria provided, single submitter. Criteria: Invitae Variant Classification Sherloc (09022015). Collection method: clinical testing. Allele origin: germline.
Comment: In summary, the available evidence is currently insufficient to determine the role of this variant in disease. Therefore, it has been classified as a Variant of Uncertain Significance. Algorithms developed to predict the effect of sequence changes on RNA splicing suggest that this variant may create or strengthen a splice site. This variant has not been reported in the literature in individuals affected with RAD51C-related conditions. This variant is not present in population databases (gnomAD no frequency). This sequence change falls in intron 1 of the RAD51C gene. It does not directly change the encoded amino acid sequence of the RAD51C protein.